The following is an entry in ClinVar:

ClinVar aggregate classification (germline): Uncertain significance. Review status: criteria provided, multiple submitters, no conflicts (2 of 4 stars). 2 submissions from 2 submitters: Uncertain significance (2). Last evaluated 2026-04-01.

Conditions:
SLC24A1-related disorder. Also called: SLC24A1-related condition.

Submissions (2):

PreventionGenetics, part of Exact Sciences
Classification: Uncertain significance for SLC24A1-related condition. Last evaluated: 2026-04-01. Review status: criteria provided, single submitter. Criteria: ACMG Guidelines, 2015. Collection method: clinical testing. Allele origin: germline.
Comment: The SLC24A1 c.224_226delTGA variant is predicted to result in an in-frame deletion (p.Met75del). To our knowledge, this variant has not been reported in the literature. This variant is reported in 0.017% of alleles in individuals of African descent in gnomAD. At this time, the clinical significance of this variant is uncertain due to the absence of conclusive functional and genetic evidence.

Labcorp Genetics (formerly Invitae), Labcorp
Classification: Uncertain significance. Last evaluated: 2022-02-10. Review status: criteria provided, single submitter. Criteria: Invitae Variant Classification Sherloc (09022015). Collection method: clinical testing. Allele origin: germline.
Comment: This variant has not been reported in the literature in individuals affected with SLC24A1-related conditions. Experimental studies and prediction algorithms are not available or were not evaluated, and the functional significance of this variant is currently unknown. In summary, the available evidence is currently insufficient to determine the role of this variant in disease. Therefore, it has been classified as a Variant of Uncertain Significance. This variant, c.224_226del, results in the deletion of 1 amino acid(s) of the SLC24A1 protein (p.Met75del), but otherwise preserves the integrity of the reading frame. The frequency data for this variant in the population databases is considered unreliable, as metrics indicate poor data quality at this position in the gnomAD database.

NM_004727.3(SLC24A1):c.215TGA[3] (p.Met75del)

Gene: SLC24A1 (solute carrier family 24 member 1; plus strand). Cytogenetic location: 15q22.31.
Variant type: Microsatellite.
Coding change: c.215TGA[3] on transcript NM_004727.3 (MANE Select); three copies in a row of the 3-base unit TGA starting at c.215; the reference has four copies in a row; one copy, 3 bases deleted.
Protein change: p.Met75del; deletes methionine 75.
Molecular consequence: inframe deletion.
Genome position (GRCh38, 1-based): chr15:65,624,304-65,624,306, TGA deleted; deleting any 3 consecutive bases within chr15:65,624,293-65,624,306 gives the same sequence; the position shown is the placement nearest the transcript's 3' end. VCF-style (leftmost placement, unchanged base first): chr15-65624292-AGAT-A. GRCh37 (hg19) VCF-style: chr15-65916630-AGAT-A.
Other names: c.224_226delTGA (NM_004727.2); c.215TGA[3], p.Met75del (NM_001301031.1, NM_001301032.1, NM_001301033.2); short protein forms M75del.
Identifiers: ClinVar variation 1395532 (VCV001395532.7), dbSNP rs756442926, ClinGen allele CA7619711.